The following is an entry in ClinVar:

ClinVar aggregate classification (germline): Likely benign (1 of 4 stars; one submission).

Allele frequency attached by ClinVar (database versions not stated): TOPMed 0.00022; ESP Exome Variant Server 0.00023; gnomAD 0.00035; gnomAD exomes 0.00080; ExAC 0.00139; 1000 Genomes Project 30x 0.00219; 1000 Genomes Project 0.00260.
gnomAD v4.1: 1,226 of 1,614,158 alleles (0.076%); highest among the groups gnomAD compares: Middle Eastern, 1.2%; 11 homozygotes.

Submission:

CeGaT Center for Human Genetics Tuebingen
Classification: Likely benign. Last evaluated: 2023-01-01. Review status: criteria provided, single submitter. Criteria: CeGaT Center For Human Genetics Tuebingen Variant Classification Criteria Version 2. Collection method: clinical testing. Allele origin: germline. Affected: yes. Observed: 2 variant alleles.
Comment: LCTL: BP4, BP7, BS2

NM_207338.4(LCTL):c.831G>A (p.Glu277=)

Gene: LCTL (lactase like; minus strand). Cytogenetic location: 15q22.31.
Variant type: single nucleotide variant.
Coding change: c.831G>A on transcript NM_207338.4 (MANE Select); coding-DNA position 831, G replaced by A.
Protein change: p.Glu277=; no amino-acid change (glutamic acid 277 retained).
Molecular consequence: synonymous variant. On other transcripts: non-coding transcript variant (2).
Genome position (GRCh38, 1-based): chr15:66,557,813, C>T on the plus strand (G>A on the coding strand, the complement: LCTL is on the minus strand). VCF-style: chr15-66557813-C-T. GRCh37 (hg19) VCF-style: chr15-66850151-C-T.
Other names: c.312G>A, p.Glu104= (NM_001278562.3, NM_001394632.1); c.216G>A, p.Glu72= (NM_001394633.1).
Identifiers: ClinVar variation 2645477 (VCV002645477.24), dbSNP rs142700869, ClinGen allele CA7626000.